The following is an entry in ClinVar:

ClinVar aggregate classification (germline): Uncertain significance. Review status: criteria provided, multiple submitters, no conflicts (2 of 4 stars). 2 submissions from 2 submitters: Uncertain significance (2). Last evaluated 2024-01-01.

Conditions:
Nemaline myopathy 6 (NEM6). Also called: Nemaline myopathy 6, autosomal dominant. Identifiers: Orphanet 171439, MedGen C1836472, MONDO:0012237, OMIM 609273.

Submissions (2):

Daryl Scott Lab, Baylor College of Medicine
Classification: Uncertain significance for Nemaline myopathy 6. Last evaluated: 2024-01-01. Review status: criteria provided, single submitter. Criteria: ACMG Guidelines, 2015. Collection method: clinical testing. Allele origin: de novo. Observed: 1 heterozygote.
Comment: PS2

Labcorp Genetics (formerly Invitae), Labcorp
Classification: Uncertain significance for Nemaline myopathy 6. Last evaluated: 2022-05-12. Review status: criteria provided, single submitter. Criteria: Invitae Variant Classification Sherloc (09022015). Collection method: clinical testing. Allele origin: germline.
Comment: This variant has not been reported in the literature in individuals affected with KBTBD13-related conditions. This variant is present in population databases (no rsID available, gnomAD 0.01%). This sequence change replaces arginine, which is basic and polar, with cysteine, which is neutral and slightly polar, at codon 350 of the KBTBD13 protein (p.Arg350Cys). Algorithms developed to predict the effect of missense changes on protein structure and function are either unavailable or do not agree on the potential impact of this missense change (SIFT: "Deleterious"; PolyPhen-2: "Probably Damaging"; Align-GVGD: "Class C15"). In summary, the available evidence is currently insufficient to determine the role of this variant in disease. Therefore, it has been classified as a Variant of Uncertain Significance.

NM_001101362.3(KBTBD13):c.1048C>T (p.Arg350Cys)

Gene: KBTBD13 (kelch repeat and BTB domain containing 13; plus strand). Cytogenetic location: 15q22.31.
Variant type: single nucleotide variant.
Coding change: c.1048C>T on transcript NM_001101362.3 (MANE Select); coding-DNA position 1048, C replaced by T.
Protein change: p.Arg350Cys; replaces arginine 350 with cysteine.
Molecular consequence: missense variant.
Genome position (GRCh38, 1-based): chr15:65,077,863, C>T. VCF-style: chr15-65077863-C-T. GRCh37 (hg19) VCF-style: chr15-65370201-C-T.
Other names: short protein forms R350C.
Identifiers: ClinVar variation 2193360 (VCV002193360.5), dbSNP rs779744493, ClinGen allele CA271504522.
Genomic context (GRCh38, chr15:65,077,863, plus strand): 5'-TGGCTGCCAGTGGCCGAGCTGCGGCGTCCGCAGAGCTATGGCCACTGCATGGTGGCCCAC[C>T]GCGACAGCCTCTATGTGGTGCGCAACGGACCTTCCGACGACTTCCTGCACTGCGCCATCG-3'
Protein context (NP_001094832.1, residues 340-360): QSYGHCMVAH[Arg350Cys]DSLYVVRNGP